The following is an entry in ClinVar:

ClinVar aggregate classification (germline): Pathogenic (1 of 4 stars; one submission).

Submission:

CeGaT Center for Human Genetics Tuebingen
Classification: Pathogenic. Last evaluated: 2022-08-01. Review status: criteria provided, single submitter. Criteria: CeGaT Center For Human Genetics Tuebingen Variant Classification Criteria Version 2. Collection method: clinical testing. Allele origin: germline. Affected: yes. Observed: 1 variant allele.
Comment: SRCAP: PVS1, PM2

NM_006662.3(SRCAP):c.5691_5695del (p.Ser1898fs)

Gene: SRCAP (Snf2 related CREBBP activator protein; plus strand). Cytogenetic location: 16p11.2.
Variant type: Deletion.
Coding change: c.5691_5695del on transcript NM_006662.3 (MANE Select); coding-DNA positions 5691 to 5695, 5 bases deleted (GTCTG; older notation c.5691_5695delGTCTG).
Protein change: p.Ser1898fs; shifts the reading frame from serine 1898.
Molecular consequence: frameshift variant.
Genome position (GRCh38, 1-based): chr16:30,728,998-30,729,002, GTCTG deleted; deleting any 5 consecutive bases within chr16:30,728,997-30,729,002 gives the same sequence; the c. name uses the placement nearest the transcript's 3' end. VCF-style (leftmost placement, unchanged base first): chr16-30728996-CGGTCT-C. GRCh37 (hg19) VCF-style: chr16-30740317-CGGTCT-C.
Other names: short protein forms S1898fs.
Identifiers: ClinVar variation 1711404 (VCV001711404.30), dbSNP rs2506697045, ClinGen allele CA2580091490.